The following is an entry in ClinVar:

NM_000338.3(SLC12A1):c.552+1G>A

Gene: SLC12A1 (solute carrier family 12 member 1; plus strand). Cytogenetic location: 15q21.1.
Variant type: single nucleotide variant.
Coding change: c.552+1G>A on transcript NM_000338.3 (MANE Select); the canonical splice donor site of the intron after coding-DNA position 552, G replaced by A.
Molecular consequence: splice donor variant.
Genome position (GRCh38, 1-based): chr15:48,220,766, G>A. VCF-style: chr15-48220766-G-A. GRCh37 (hg19) VCF-style: chr15-48512963-G-A.
Other names: c.552+1G>A (NM_001384136.1, NM_001184832.2).
Identifiers: ClinVar variation 2800354 (VCV002800354.3), dbSNP rs1339440799, ClinGen allele CA392304287.

ClinVar aggregate classification (germline): Likely pathogenic (1 of 4 stars; one submission).

Allele frequency attached by ClinVar (database versions not stated): gnomAD exomes below 0.00001.
gnomAD v4.1: 1 of 1,613,948 alleles (0.000062%); highest among the groups gnomAD compares: Non-Finnish European, 0.000085%; no homozygotes.

Submission:

Labcorp Genetics (formerly Invitae), Labcorp
Classification: Likely pathogenic. Last evaluated: 2023-08-04. Review status: criteria provided, single submitter. Criteria: Invitae Variant Classification Sherloc (09022015). Collection method: clinical testing. Allele origin: germline.
Comment: Algorithms developed to predict the effect of sequence changes on RNA splicing suggest that this variant may disrupt the consensus splice site. In summary, the currently available evidence indicates that the variant is pathogenic, but additional data are needed to prove that conclusively. Therefore, this variant has been classified as Likely Pathogenic. This variant has not been reported in the literature in individuals affected with SLC12A1-related conditions. This variant is present in population databases (no rsID available, gnomAD 0.0009%). This sequence change affects a donor splice site in intron 3 of the SLC12A1 gene. It is expected to disrupt RNA splicing. Variants that disrupt the donor or acceptor splice site typically lead to a loss of protein function (PMID: 16199547), and loss-of-function variants in SLC12A1 are known to be pathogenic (PMID: 8640224, 9585600, 19096086).

Literature cited by the submitters: PubMed 16199547; PubMed 8640224; PubMed 9585600; PubMed 19096086.